The following is an entry in ClinVar:

ClinVar aggregate classification (germline): Conflicting classifications of pathogenicity. Review status: criteria provided, conflicting classifications (1 of 4 stars). 4 submissions from 4 submitters: Uncertain significance (3); Likely benign (1). Last evaluated 2025-09-23.

Conditions:
Ataxia - intellectual disability - oculomotor apraxia - cerebellar cysts syndrome. Also called: Poretti-Boltshauser syndrome. Identifiers: Orphanet 370022, MedGen C4014821, MONDO:0014419, OMIM 615960.
Inborn genetic diseases. Identifiers: MedGen C0950123, MeSH D030342.

Allele frequency attached by ClinVar (database versions not stated): 1000 Genomes Project 30x 0.00016; 1000 Genomes Project 0.00020; ESP Exome Variant Server 0.00031.
gnomAD v4.1: 123 of 1,614,038 alleles (0.0076%); highest among the groups gnomAD compares: African/African-American, 0.14%; no homozygotes.

Submissions (4):

Women's Health and Genetics/Laboratory Corporation of America, LabCorp
Classification: Uncertain significance. Last evaluated: 2025-09-23. Review status: criteria provided, single submitter. Criteria: LabCorp Variant Classification Summary - May 2015. Collection method: clinical testing. Allele origin: germline.
Comment: Variant summary: LAMA1 c.6355G>A (p.Ala2119Thr) results in a non-conservative amino acid change in the encoded protein sequence. Algorithms developed to predict the effect of missense changes on protein structure and function are either unavailable or do not agree on the potential impact of this missense change. The variant allele was found at a frequency of 6.8e-05 in 251452 control chromosomes, predominantly at a frequency of 0.00092 within the African or African-American subpopulation in the gnomAD database. This frequency is not significantly higher than estimated for disease-causing variants in LAMA1, allowing no conclusion about variant significance. To our knowledge, no occurrence of c.6355G>A in individuals affected with LAMA1-related conditions and no experimental evidence demonstrating its impact on protein function have been reported. ClinVar contains an entry for this variant (Variation ID: 2353192). Based on the evidence outlined above, the variant was classified as uncertain significance.

Laboratorio de Genetica e Diagnostico Molecular, Hospital Israelita Albert Einstein
Classification: Uncertain significance for Ataxia - intellectual disability - oculomotor apraxia - cerebellar cysts syndrome. Last evaluated: 2025-03-26. Review status: criteria provided, single submitter. Criteria: ACMG Guidelines, 2015. Collection method: clinical testing. Allele origin: germline. Affected: yes.
Comment: ACMG classification criteria: BP4 supporting

Blueprint Genetics
Classification: Likely benign. Last evaluated: 2023-11-07. Review status: criteria provided, single submitter. Criteria: ACMG Guidelines, 2015. Collection method: clinical testing. Allele origin: germline.

Ambry Genetics
Classification: Uncertain significance for Inborn genetic diseases. Last evaluated: 2021-09-21. Review status: criteria provided, single submitter. Criteria: Ambry Variant Classification Scheme 2023. Collection method: clinical testing. Allele origin: germline.

Literature cited by the submitters: PubMed 26350204 (cited by Ambry Genetics).

NM_005559.4(LAMA1):c.6355G>A (p.Ala2119Thr)

Gene: LAMA1 (laminin subunit alpha 1; minus strand). Cytogenetic location: 18p11.31.
Variant type: single nucleotide variant.
Coding change: c.6355G>A on transcript NM_005559.4 (MANE Select); coding-DNA position 6355, G replaced by A.
Protein change: p.Ala2119Thr; replaces alanine 2119 with threonine.
Molecular consequence: missense variant.
Genome position (GRCh38, 1-based): chr18:6,976,071, C>T on the plus strand (G>A on the coding strand, the complement: LAMA1 is on the minus strand). VCF-style: chr18-6976071-C-T. GRCh37 (hg19) VCF-style: chr18-6976070-C-T.
Other names: short protein forms A2119T.
Identifiers: ClinVar variation 2353192 (VCV002353192.5), dbSNP rs141494356, ClinGen allele CA8881263.
Genomic context (GRCh38, chr18:6,976,071, plus strand): 5'-AGTTGGTAGAGGAAATCTGAGGCTGGTAGGCCCGGATGCAATCTCTGTCTGCAGACACGG[C>T]GACTTTAATCTGTAGAAGGAAAATGAAAGTGTCCCCATCATTTAGTGACACACACCGGCA-3'
Protein context (NP_005550.2, residues 2109-2129): ARKQAASIKV[Ala2119Thr]VSADRDCIRA